The following is an entry in ClinVar:

NM_001369.3(DNAH5):c.7511T>G (p.Leu2504Arg)

Gene: DNAH5 (dynein axonemal heavy chain 5; minus strand). Cytogenetic location: 5p15.2.
Variant type: single nucleotide variant.
Coding change: c.7511T>G on transcript NM_001369.3 (MANE Select); coding-DNA position 7511, T replaced by G.
Protein change: p.Leu2504Arg; replaces leucine 2504 with arginine.
Molecular consequence: missense variant.
Genome position (GRCh38, 1-based): chr5:13,810,157, A>C on the plus strand (T>G on the coding strand, the complement: DNAH5 is on the minus strand). VCF-style: chr5-13810157-A-C. GRCh37 (hg19) VCF-style: chr5-13810266-A-C.
Other names: short protein forms L2504R.
Identifiers: ClinVar variation 1029326 (VCV001029326.1), dbSNP rs1344694038, ClinGen allele CA359231954.

ClinVar aggregate classification (germline): Uncertain significance (1 of 4 stars; one submission).

Conditions:
Primary ciliary dyskinesia 3. Identifiers: Orphanet 244, MedGen C1837618, MONDO:0012085, OMIM 608644.

Submission:

Baylor Genetics
Classification: Uncertain significance for Primary ciliary dyskinesia 3. Last evaluated: 2019-12-06. Review status: criteria provided, single submitter. Criteria: ACMG Guidelines, 2015. Collection method: clinical testing. Allele origin: unknown. Affected: yes.
Comment: This variant was determined to be of uncertain significance according to ACMG Guidelines, 2015 [PMID:25741868].